The following is an entry in ClinVar:

NM_007294.4(BRCA1):c.1066C>T (p.Gln356Ter)

Gene: BRCA1 (BRCA1 DNA repair associated; minus strand). Cytogenetic location: 17q21.31.
Variant type: single nucleotide variant.
Coding change: c.1066C>T on transcript NM_007294.4 (MANE Select); coding-DNA position 1066, C replaced by T.
Protein change: p.Gln356Ter; replaces glutamine 356 with a stop codon.
Molecular consequence: nonsense. On other transcripts: intron variant (137).
Genome position (GRCh38, 1-based): chr17:43,094,465, G>A on the plus strand (C>T on the coding strand, the complement: BRCA1 is on the minus strand). VCF-style: chr17-43094465-G-A. GRCh37 (hg19) VCF-style: chr17-41246482-G-A.
Other names: c.922C>T, p.Gln308Ter (NM_001407839.1, NM_001407841.1, NM_001407842.1 and 20 more transcripts); c.925C>T, p.Gln309Ter (NM_001407850.1, NM_001407851.1, NM_001407852.1 and 29 more transcripts); c.853C>T, p.Gln285Ter (NM_001407853.1, NM_001407894.1, NM_001407895.1 and 9 more transcripts); c.1066C>T, p.Gln356Ter (NM_001407854.1, NM_001407858.1, NM_001407859.1 and 30 more transcripts); c.1063C>T, p.Gln355Ter (NM_001407860.1, NM_001407861.1, NM_001407587.1 and 22 more transcripts); c.865C>T, p.Gln289Ter (NM_001407862.1); c.943C>T, p.Gln315Ter (NM_001407863.1, NM_001407919.1, NM_001407937.1 and 19 more transcripts); c.862C>T, p.Gln288Ter (NM_001407874.1, NM_001407875.1); and 41 more; short protein forms Q356*, Q309*, Q285*, Q289*, Q330*, Q188*, Q267*, Q288*.
Identifiers: ClinVar variation 54114 (VCV000054114.34), dbSNP rs80357215, ClinGen allele CA000711.

ClinVar aggregate classification (germline): Pathogenic. Review status: reviewed by expert panel (3 of 4 stars). 19 submissions from 19 submitters: Pathogenic (1). 18 of the submissions do not count toward it. Last evaluated 2016-09-08.

Conditions:
Hereditary cancer-predisposing syndrome. Also called: Tumor predisposition; Neoplastic Syndromes, Hereditary; Hereditary Cancer Syndrome; Hereditary neoplastic syndrome. Identifiers: Orphanet 140162, MedGen C0027672, MeSH D009386, MONDO:0015356.
Hereditary breast ovarian cancer syndrome. Also called: Hereditary breast and ovarian cancer syndrome (HBOC); Hereditary breast and ovarian cancer syndrome; Hereditary breast and ovarian cancer; Hereditary breast and/or ovarian cancer syndrome; Breast and ovarian cancer; BRCA1- and BRCA2-Associated Hereditary Breast and Ovarian Cancer. Identifiers: Orphanet 145, MedGen C0677776, MeSH D061325, MONDO:0003582. Disease mechanism: loss of function.
Breast-ovarian cancer, familial, susceptibility to, 1 (BROVCA1). Also called: OVARIAN CANCER, SUSCEPTIBILITY TO; BRCA1 Hereditary Breast and Ovarian Cancer. Identifiers: Orphanet 145, MedGen C2676676, MONDO:0011450, OMIM 604370. Disease mechanism: loss of function.
Familial cancer of breast. Also called: Hereditary breast cancer; hereditary breast carcinoma; BREAST CANCER, FAMILIAL. Identifiers: Orphanet 227535, MedGen C0346153, MONDO:0016419, OMIM 114480. Disease mechanism: loss of function.

Allele frequency attached by ClinVar (database versions not stated): gnomAD exomes below 0.00001.
gnomAD v4.1: 1 of 1,613,988 alleles (0.000062%); highest among the groups gnomAD compares: Non-Finnish European, 0.000085%; no homozygotes.

Submissions 1 to 9 of 19:

Evidence-based Network for the Interpretation of Germline Mutant Alleles (ENIGMA)
Classification: Pathogenic for Breast-ovarian cancer, familial, susceptibility to, 1. Last evaluated: 2016-09-08. Review status: reviewed by expert panel. Criteria: ENIGMA BRCA1/2 Classification Criteria (2015). Collection method: curation. Allele origin: germline.
Comment: Variant allele predicted to encode a truncated non-functional protein.

Labcorp Genetics (formerly Invitae), Labcorp
Classification: Pathogenic for Hereditary breast ovarian cancer syndrome. Last evaluated: 2025-05-25. Review status: criteria provided, single submitter. Criteria: Invitae Variant Classification Sherloc (09022015). Collection method: clinical testing. Allele origin: germline. Not counted in ClinVar's aggregate classification.
Comment: This sequence change creates a premature translational stop signal (p.Gln356*) in the BRCA1 gene. It is expected to result in an absent or disrupted protein product. Loss-of-function variants in BRCA1 are known to be pathogenic (PMID: 20104584). This variant is not present in population databases (gnomAD no frequency). This premature translational stop signal has been observed in individual(s) with breast and ovarian cancer (PMID: 16683254, 30199306, 30606148). ClinVar contains an entry for this variant (Variation ID: 54114). For these reasons, this variant has been classified as Pathogenic.

Dasa
Classification: Pathogenic for Breast-ovarian cancer, familial, susceptibility to, 1. Last evaluated: 2025-04-30. Review status: criteria provided, single submitter. Criteria: DASA Assertion Criteria. Collection method: clinical testing. Allele origin: germline. Not counted in ClinVar's aggregate classification.
Comment: NM_007294.4(BRCA1):c.1066C>T (p.Gln356*) introduces a premature termination codon predicted to result in loss of normal protein function. Loss-of-function is an established mechanism of disease for this gene. The affected residue or protein region has prior evidence supporting clinical relevance. The variant is present at low frequency in population datasets. Based on the available data, this variant is classified as pathogenic.

Molecular Diagnostics Laboratory, Catalan Institute of Oncology
Classification: Pathogenic for Hereditary cancer-predisposing syndrome. Last evaluated: 2025-02-05. Review status: criteria provided, single submitter. Criteria: ClinGen BRCA1BRCA2 ACMG Specifications BRCA1 V1.0.0. Collection method: clinical testing. Allele origin: germline. Not counted in ClinVar's aggregate classification.
Comment: PVS1, PM5_PTC_Strong, PM2_Suppoting c.1066C>T, located in exon 10 (11 according BIC nomenclature) of the BRCA1 gene, is a nonsense variant expected to result in loss of function by premature protein truncation and nonsense-mediated mRNA decay, p.(Gln356*)(PVS1, PM5_PTC_Strong).It is not present in the population database gnomAD v2.1.1, non cancer dataset (PM2_Supporting). No effect is predicted on splicing by SpliceAI. To our knowledge, functional studies have not been reported for this variant. In addition, the variant was also identified in the following databases: BRCA Exchange (Pathogenic: Variant allele predicted to encode a truncated non-functional protein), ClinVar (16x Pathogenic) and LOVD (1x uncertain significance, 18x pathogenic). Based on the currently available information, c.1066C>T is classified as a pathogenic variant according to ClinGen-BRCA1 Guidelines version v1.0.0.

Genomic Medicine Center of Excellence, King Faisal Specialist Hospital and Research Centre
Classification: Pathogenic for Breast-ovarian cancer, familial, susceptibility to, 1. Last evaluated: 2024-12-18. Review status: criteria provided, single submitter. Criteria: ACMG Guidelines, 2015. Collection method: clinical testing. Allele origin: germline. Not counted in ClinVar's aggregate classification.

Color Diagnostics, LLC DBA Color Health
Classification: Pathogenic for Hereditary cancer-predisposing syndrome. Last evaluated: 2024-05-03. Review status: criteria provided, single submitter. Criteria: ACMG Guidelines, 2015. Collection method: clinical testing. Allele origin: germline. Not counted in ClinVar's aggregate classification.
Comment: This variant changes 1 nucleotide in exon 10 of the BRCA1 gene, creating a premature translation stop signal. This variant is expected to result in an absent or non-functional protein product. This variant has been reported in at least two individuals affected with ovarian, primary peritoneal, or fallopian tube cancer (PMID: 30606148, 30825404) and two affected with breast cancer (PMID: 10340909, 30199306) and at least 10 suspected hereditary breast and ovarian cancer families (PMID: 16683254, 29446198). This variant has not been identified in the general population by the Genome Aggregation Database (gnomAD). Loss of BRCA1 function is a known mechanism of disease. Based on the available evidence, this variant is classified as Pathogenic.

Laboratory for Molecular Medicine, Mass General Brigham Personalized Medicine
Classification: Pathogenic for Hereditary breast ovarian cancer syndrome. Last evaluated: 2022-11-03. Review status: criteria provided, single submitter. Criteria: ACMG Guidelines, 2015. Collection method: clinical testing. Allele origin: germline. Not counted in ClinVar's aggregate classification.
Comment: The p.Gln356X variant in BRCA1 has been reported in at least 8 individuals affected with breast and/or ovarian cancer (selected references: Abulkhair 2018 PMID: 30199306, Cotrim 2019 PMID: 30606148, van der Hout 2006 PMID: 16683254, Pajares 2018 PMID: 29884136, Siraj 2019 PMID: 30825404, Gao 2020 PMID: 31825140) and it was classified as pathogenic on Sep 08, 2016 by the ClinGen-approved Evidence-based Network for the Interpretation of Germline Mutant Alleles (ENIGMA) expert panel (Variation ID 54114). It was absent from large population studies. This nonsense variant leads to a premature termination codon at position 356, which is predicted to lead to a truncated or absent protein. Loss of function of the BRCA1 gene is an established disease mechanism in autosomal dominant hereditary breast and ovarian cancer syndrome. In summary, this variant meets criteria to be classified as pathogenic for autosomal dominant hereditary breast and ovarian cancer syndrome. ACMG/AMP Criteria applied: PVS1, PS4_Moderate, PM2_Supporting.

Ambry Genetics
Classification: Pathogenic for Hereditary cancer-predisposing syndrome. Last evaluated: 2022-11-01. Review status: criteria provided, single submitter. Criteria: Ambry Variant Classification Scheme 2023. Collection method: clinical testing. Allele origin: germline. Not counted in ClinVar's aggregate classification.
Comment: The p.Q356* pathogenic mutation (also known as c.1066C>T), located in coding exon 9 of the BRCA1 gene, results from a C to T substitution at nucleotide position 1066. This changes the amino acid from a glutamine to a stop codon within coding exon 9. This mutation has been previously reported in several hereditary breast and ovarian cancer (HBOC) syndrome families (Tang NL et al. J. Natl. Cancer Inst. 1999 May;91:882-5; van der Hout AH et al. Hum. Mutat. 2006 Jul;27:654-66; Cotrim DP et al. BMC Cancer 2019 Jan;19:4; Siraj AK et al. Hum. Mutat. 2019 Mar; Abulkhair O et al. J Glob Oncol. 2018 Aug;4:1-9; Bhaskaran SP et al. Int. J. Cancer, 2019 Jan). This alteration was also identified in a large, worldwide study of BRCA1/2 mutation positive families (Rebbeck TR et al. Hum. Mutat. 2018 05;39:593-620). This variant is considered to be rare based on population cohorts in the Genome Aggregation Database (gnomAD). In addition to the clinical data presented in the literature, this alteration is expected to result in loss of function by premature protein truncation or nonsense-mediated mRNA decay. As such, this alteration is interpreted as a disease-causing mutation.

Baylor Genetics
Classification: Pathogenic for Breast-ovarian cancer, familial, susceptibility to, 1. Last evaluated: 2021-10-28. Review status: criteria provided, single submitter. Criteria: ACMG Guidelines, 2015. Collection method: clinical testing. Allele origin: unknown. Not counted in ClinVar's aggregate classification.